The following is an entry in ClinVar:

NM_022455.5(NSD1):c.1382C>T (p.Thr461Ile)

Gene: NSD1 (nuclear receptor binding SET domain protein 1; plus strand). Cytogenetic location: 5q35.3.
Variant type: single nucleotide variant.
Coding change: c.1382C>T on transcript NM_022455.5 (MANE Select); coding-DNA position 1382, C replaced by T.
Protein change: p.Thr461Ile; replaces threonine 461 with isoleucine.
Molecular consequence: missense variant.
Genome position (GRCh38, 1-based): chr5:177,209,781, C>T. VCF-style: chr5-177209781-C-T. GRCh37 (hg19) VCF-style: chr5-176636782-C-T.
Other names: c.509C>T, p.Thr170Ile (NM_001365684.2, NM_001409306.1, NM_001409307.1 and 3 more transcripts); c.1382C>T, p.Thr461Ile (NM_001409301.1, NM_001409302.1, NM_001409303.1); c.962C>T, p.Thr321Ile (NM_001409304.1); c.629C>T, p.Thr210Ile (NM_001409305.1); short protein forms T192I, T461I, T170I, T210I, T321I.
Identifiers: ClinVar variation 1341328 (VCV001341328.3), dbSNP rs776330654, ClinGen allele CA3577079.

ClinVar aggregate classification (germline): Uncertain significance. Review status: criteria provided, multiple submitters, no conflicts (2 of 4 stars). 2 submissions from 2 submitters: Uncertain significance (2). Last evaluated 2025-10-28.

Conditions:
Sotos syndrome (SOTOS). Also called: SOTOS SYNDROME 1; CEREBRAL GIGANTISM; Sotos' syndrome; CHROMOSOME 5q35 DELETION SYNDROME; Distinctive facial appearance, overgrowth in childhood, and learning disabilities or delayed development. Identifiers: Orphanet 821, MedGen C0175695, MONDO:0019349, OMIM 117550.
Inborn genetic diseases. Identifiers: MedGen C0950123, MeSH D030342.

Allele frequency attached by ClinVar (database versions not stated): gnomAD exomes below 0.00001; TOPMed below 0.00001; ExAC 0.00001.
gnomAD v4.1: 2 of 1,614,102 alleles (0.00012%); highest among the groups gnomAD compares: Middle Eastern, 0.016%; no homozygotes.

Submissions (2):

Ambry Genetics
Classification: Uncertain significance for Inborn genetic diseases. Last evaluated: 2025-10-28. Review status: criteria provided, single submitter. Criteria: Ambry Variant Classification Scheme 2023. Collection method: clinical testing. Allele origin: germline.

Baylor Genetics
Classification: Uncertain significance for Sotos syndrome. Last evaluated: 2021-12-21. Review status: criteria provided, single submitter. Criteria: ACMG Guidelines, 2015. Collection method: clinical testing. Allele origin: paternal. Affected: yes. Study: CSER-TexasKidsCanSeq.
Comment: This variant was determined to be of uncertain significance according to ACMG Guidelines, 2015 [PMID:25741868].